The following is an entry in ClinVar:

NM_138477.4(CDAN1):c.2542-3C>G

Gene: CDAN1 (codanin 1; minus strand). Cytogenetic location: 15q15.2.
Variant type: single nucleotide variant.
Coding change: c.2542-3C>G on transcript NM_138477.4 (MANE Select); 3 bases into the intron before coding-DNA position 2542, C replaced by G.
Molecular consequence: intron variant.
Genome position (GRCh38, 1-based): chr15:42,729,129, G>C on the plus strand (C>G on the coding strand, the complement: CDAN1 is on the minus strand). VCF-style: chr15-42729129-G-C. GRCh37 (hg19) VCF-style: chr15-43021327-G-C.
Other names: c.2542-3C>G (NM_138477.2).
Identifiers: ClinVar variation 1428716 (VCV001428716.6), dbSNP rs201401533, ClinGen allele CA7515580.
Genomic context (GRCh38, chr15:42,729,129, plus strand): 5'-CTACGGTCCGGCGCAAGGAGGGCGGCTGGTTGTGGAAAAAGGCCTGGGCGAGCTGTGCCT[G>C]GGGGGAGGAGGGAGAGGCAGCAAGGCTTCCTCCAGCCTCCCTGTCCCCGCCCCCAACCCC-3'

ClinVar aggregate classification (germline): Uncertain significance. Review status: criteria provided, multiple submitters, no conflicts (2 of 4 stars). 3 submissions from 3 submitters: Uncertain significance (3). Last evaluated 2025-01-21.

Conditions:
CDAN1-related disorder. Also called: CDAN1-related condition.
Anemia, congenital dyserythropoietic, type 1a (CDAN1A). Also called: CDAN1-Related Congenital Dyserythropoietic Anemia; DYSERYTHROPOIETIC ANEMIA, CONGENITAL, TYPE Ia. Identifiers: MedGen C5574667, MONDO:0009135, OMIM 224120.

Allele frequency attached by ClinVar (database versions not stated): ESP Exome Variant Server 0.00008; 1000 Genomes Project 30x 0.00016.

Submissions (3):

PreventionGenetics, part of Exact Sciences
Classification: Uncertain significance for CDAN1-related condition. Last evaluated: 2025-01-21. Review status: criteria provided, single submitter. Criteria: ACMG Guidelines, 2015. Collection method: clinical testing. Allele origin: germline.
Comment: The CDAN1 c.2542-3C>G variant is predicted to interfere with splicing. To our knowledge, this variant has not been reported in the literature. This variant is predicted to impact splicing based on splicing prediction programs (SpliceAI, Jaganathan K, et al. 2019. PubMed ID: 30661751). However, the use of computer prediction programs is not equivalent to functional evidence. This variant is reported in 0.022% of alleles in individuals of East Asian descent in gnomAD. At this time, the clinical significance of this variant is uncertain due to the absence of conclusive functional and genetic evidence.

Revvity Omics, Revvity
Classification: Uncertain significance for Anemia, congenital dyserythropoietic, type 1a. Last evaluated: 2023-10-26. Review status: criteria provided, single submitter. Criteria: ACMG Guidelines, 2015. Collection method: clinical testing. Allele origin: germline.

Labcorp Genetics (formerly Invitae), Labcorp
Classification: Uncertain significance. Last evaluated: 2022-06-08. Review status: criteria provided, single submitter. Criteria: Invitae Variant Classification Sherloc (09022015). Collection method: clinical testing. Allele origin: germline.
Comment: This sequence change falls in intron 18 of the CDAN1 gene. It does not directly change the encoded amino acid sequence of the CDAN1 protein. It affects a nucleotide within the consensus splice site. This variant is present in population databases (rs201401533, gnomAD 0.02%). This variant has not been reported in the literature in individuals affected with CDAN1-related conditions. Variants that disrupt the consensus splice site are a relatively common cause of aberrant splicing (PMID: 17576681, 9536098). Algorithms developed to predict the effect of sequence changes on RNA splicing suggest that this variant may disrupt the consensus splice site. In summary, the available evidence is currently insufficient to determine the role of this variant in disease. Therefore, it has been classified as a Variant of Uncertain Significance.

Literature cited by the submitters: PubMed 17576681 (cited by Labcorp Genetics (formerly Invitae), Labcorp); PubMed 9536098 (cited by Labcorp Genetics (formerly Invitae), Labcorp).